The following is an entry in ClinVar:

ClinVar aggregate classification (germline): Likely pathogenic (1 of 4 stars; one submission).

Submission:

GeneDx
Classification: Likely pathogenic. Last evaluated: 2025-04-22. Review status: criteria provided, single submitter. Criteria: GeneDx Variant Classification Process June 2021. Collection method: clinical testing. Allele origin: germline. Affected: yes.
Comment: Nonsense variant predicted to result in protein truncation or nonsense mediated decay in a gene for which loss of function is a known mechanism of disease; Not observed at significant frequency in large population cohorts (gnomAD); Has not been previously published as pathogenic or benign to our knowledge

NM_000814.6(GABRB3):c.532G>T (p.Glu178Ter)

Gene: GABRB3 (gamma-aminobutyric acid type A receptor subunit beta3; minus strand). Cytogenetic location: 15q12.
Variant type: single nucleotide variant.
Coding change: c.532G>T on transcript NM_000814.6 (MANE Select); coding-DNA position 532, G replaced by T.
Protein change: p.Glu178Ter; replaces glutamic acid 178 with a stop codon.
Molecular consequence: nonsense.
Genome position (GRCh38, 1-based): chr15:26,583,344, C>A on the plus strand (G>T on the coding strand, the complement: GABRB3 is on the minus strand). VCF-style: chr15-26583344-C-A. GRCh37 (hg19) VCF-style: chr15-26828491-C-A.
Other names: c.277G>T, p.Glu93Ter (NM_001191320.2, NM_001278631.2); c.319G>T, p.Glu107Ter (NM_001191321.3); c.532G>T, p.Glu178Ter (NM_021912.5); short protein forms E107*, E178*, E93*.
Identifiers: ClinVar variation 4526928 (VCV004526928.1).
Genomic context (GRCh38, chr15:26,583,344, plus strand): 5'-TCAAAAGTACAAATAGGAGGAGAAAGAAACACAGATACGGATACACACAGCTTTCAATTT[C>A]CAGAGTGCAGTTCTGCTCGTCCAGGGGGTATCTCCTGAGGTCCATCATGCATGCTGCTGT-3'